The following is an entry in ClinVar:

NM_005609.4(PYGM):c.1205A>C (p.Gln402Pro)

Gene: PYGM (glycogen phosphorylase, muscle associated; minus strand). Cytogenetic location: 11q13.1.
Variant type: single nucleotide variant.
Coding change: c.1205A>C on transcript NM_005609.4 (MANE Select); coding-DNA position 1205, A replaced by C.
Protein change: p.Gln402Pro; replaces glutamine 402 with proline.
Molecular consequence: missense variant.
Genome position (GRCh38, 1-based): chr11:64,753,913, T>G on the plus strand (A>C on the coding strand, the complement: PYGM is on the minus strand). VCF-style: chr11-64753913-T-G. GRCh37 (hg19) VCF-style: chr11-64521385-T-G.
Other names: c.941A>C, p.Gln314Pro (NM_001164716.1); short protein forms Q314P, Q402P.
Identifiers: ClinVar variation 1498586 (VCV001498586.8), dbSNP rs2135833836, ClinGen allele CA381176445.

ClinVar aggregate classification (germline): Uncertain significance (1 of 4 stars; one submission).

Conditions:
Glycogen storage disease, type V (GSD5). Also called: McArdle type glycogen storage disease; PYGM DEFICIENCY; MCARDLE DISEASE; MUSCLE GLYCOGEN PHOSPHORYLASE DEFICIENCY; MYOPHOSPHORYLASE DEFICIENCY. Identifiers: Orphanet 368, MedGen C0017924, MONDO:0009293, OMIM 232600.

Allele frequency attached by ClinVar (database versions not stated): gnomAD exomes 0.00001.
gnomAD v4.1: 3 of 1,590,228 alleles (0.00019%); highest among the groups gnomAD compares: Non-Finnish European, 0.00026%; no homozygotes.

Submission:

Labcorp Genetics (formerly Invitae), Labcorp
Classification: Uncertain significance for Glycogen storage disease, type V. Last evaluated: 2024-01-09. Review status: criteria provided, single submitter. Criteria: Invitae Variant Classification Sherloc (09022015). Collection method: clinical testing. Allele origin: germline.
Comment: This sequence change replaces glutamine, which is neutral and polar, with proline, which is neutral and non-polar, at codon 402 of the PYGM protein (p.Gln402Pro). This variant is not present in population databases (gnomAD no frequency). This variant has not been reported in the literature in individuals affected with PYGM-related conditions. ClinVar contains an entry for this variant (Variation ID: 1498586). Advanced modeling of protein sequence and biophysical properties (such as structural, functional, and spatial information, amino acid conservation, physicochemical variation, residue mobility, and thermodynamic stability) has been performed at Invitae for this missense variant, however the output from this modeling did not meet the statistical confidence thresholds required to predict the impact of this variant on PYGM protein function. In summary, the available evidence is currently insufficient to determine the role of this variant in disease. Therefore, it has been classified as a Variant of Uncertain Significance.